The following is an entry in ClinVar:

NM_002496.4(NDUFS8):c.380C>T (p.Thr127Ile)

Gene: NDUFS8 (NADH:ubiquinone oxidoreductase core subunit S8; plus strand). Cytogenetic location: 11q13.2.
Variant type: single nucleotide variant.
Coding change: c.380C>T on transcript NM_002496.4 (MANE Select); coding-DNA position 380, C replaced by T.
Protein change: p.Thr127Ile; replaces threonine 127 with isoleucine.
Molecular consequence: missense variant.
Genome position (GRCh38, 1-based): chr11:68,036,260, C>T. VCF-style: chr11-68036260-C-T. GRCh37 (hg19) VCF-style: chr11-67803727-C-T.
Other names: short protein forms T127I.
Identifiers: ClinVar variation 1477397 (VCV001477397.6), dbSNP rs1554992183, ClinGen allele CA6146512.

ClinVar aggregate classification (germline): Uncertain significance (1 of 4 stars; one submission).

Allele frequency attached by ClinVar (database versions not stated): gnomAD exomes below 0.00001; ExAC 0.00001.

Submission:

Labcorp Genetics (formerly Invitae), Labcorp
Classification: Uncertain significance. Last evaluated: 2023-05-08. Review status: criteria provided, single submitter. Criteria: Invitae Variant Classification Sherloc (09022015). Collection method: clinical testing. Allele origin: germline.
Comment: This sequence change replaces threonine, which is neutral and polar, with isoleucine, which is neutral and non-polar, at codon 127 of the NDUFS8 protein (p.Thr127Ile). ClinVar contains an entry for this variant (Variation ID: 1477397). This variant has not been reported in the literature in individuals affected with NDUFS8-related conditions. This variant is present in population databases (no rsID available, gnomAD 0.003%). In summary, the available evidence is currently insufficient to determine the role of this variant in disease. Therefore, it has been classified as a Variant of Uncertain Significance. An algorithm developed to predict the effect of missense changes on protein structure and function (PolyPhen-2) suggests that this variant is likely to be disruptive.